The following is an entry in ClinVar:

NM_004036.5(ADCY3):c.1152C>T (p.Ala384=)

Gene: ADCY3 (adenylate cyclase 3; minus strand). Cytogenetic location: 2p23.3.
Variant type: single nucleotide variant.
Coding change: c.1152C>T on transcript NM_004036.5 (MANE Select); coding-DNA position 1152, C replaced by T.
Protein change: p.Ala384=; no amino-acid change (alanine 384 retained).
Molecular consequence: synonymous variant.
Genome position (GRCh38, 1-based): chr2:24,841,303, G>A on the plus strand (C>T on the coding strand, the complement: ADCY3 is on the minus strand). VCF-style: chr2-24841303-G-A. GRCh37 (hg19) VCF-style: chr2-25064172-G-A.
Other names: c.1152C>T, p.Ala384= (NM_001320613.2, NM_001377128.1, NM_001377129.1 and 2 more transcripts); c.429C>T, p.Ala143= (NM_001377131.1).
Identifiers: ClinVar variation 3037079 (VCV003037079.2), dbSNP rs777304756, ClinGen allele CA1554281.

ClinVar aggregate classification (germline): Likely benign (0 of 4 stars; one submission).

Conditions:
ADCY3-related disorder. Also called: ADCY3-related condition.

Allele frequency attached by ClinVar (database versions not stated): ExAC 0.00009.
gnomAD v4.1: 44 of 1,578,404 alleles (0.0028%); highest among the groups gnomAD compares: South Asian, 0.023%; no homozygotes.

Submission:

PreventionGenetics, part of Exact Sciences
Classification: Likely benign for ADCY3-related condition. Last evaluated: 2023-07-25. Review status: no assertion criteria provided. Collection method: clinical testing. Allele origin: germline.
Comment: This variant is classified as likely benign based on ACMG/AMP sequence variant interpretation guidelines (Richards et al. 2015 PMID: 25741868, with internal and published modifications).